The following is an entry in ClinVar:

ClinVar aggregate classification (germline): Uncertain significance (1 of 4 stars; one submission).

gnomAD v4.1: 14 of 1,612,078 alleles (0.00087%); highest among the groups gnomAD compares: Admixed American, 0.0033%; no homozygotes.

Submission:

GeneDx
Classification: Uncertain significance. Last evaluated: 2025-04-24. Review status: criteria provided, single submitter. Criteria: GeneDx Variant Classification Process June 2021. Collection method: clinical testing. Allele origin: germline. Affected: yes.
Comment: In silico analysis supports that this missense variant has a deleterious effect on protein structure/function; Has not been previously published as pathogenic or benign to our knowledge

NM_022489.4(INF2):c.718G>A (p.Asp240Asn)

Gene: INF2 (inverted formin 2; plus strand). Cytogenetic location: 14q32.33.
Variant type: single nucleotide variant.
Coding change: c.718G>A on transcript NM_022489.4 (MANE Select); coding-DNA position 718, G replaced by A.
Protein change: p.Asp240Asn; replaces aspartic acid 240 with asparagine.
Molecular consequence: missense variant. On other transcripts: non-coding transcript variant (1).
Genome position (GRCh38, 1-based): chr14:104,706,051, G>A. VCF-style: chr14-104706051-G-A. GRCh37 (hg19) VCF-style: chr14-105172388-G-A.
Other names: c.718G>A, p.Asp240Asn (NM_001031714.4, NM_001426862.1, NM_001426863.1 and 2 more transcripts); short protein forms D240N.
Identifiers: ClinVar variation 4527407 (VCV004527407.1).